The following is an entry in ClinVar:

ClinVar aggregate classification (germline): Uncertain significance. Review status: criteria provided, multiple submitters, no conflicts (2 of 4 stars). 3 submissions from 3 submitters: Uncertain significance (3). Last evaluated 2022-07-19.

Conditions:
3-methylcrotonyl-CoA carboxylase 2 deficiency. Also called: 3 alpha methylcrotonyl-CoA carboxylase 2 deficiency; 3 alpha methylcrotonylglycinuria 2; MCC 2 deficiency; Methylcrotonylglycinuria type 2; METHYLCROTONYLGLYCINURIA, TYPE II. Identifiers: Orphanet 6, MedGen C1859499, MONDO:0008862, OMIM 210210.

Allele frequency attached by ClinVar (database versions not stated): TOPMed 0.00003; gnomAD 0.00004; gnomAD exomes 0.00004 and 0.00005; ExAC 0.00006.
gnomAD v4.1: 66 of 1,613,982 alleles (0.0041%); highest among the groups gnomAD compares: South Asian, 0.0066%; no homozygotes.

Submissions (3):

Labcorp Genetics (formerly Invitae), Labcorp
Classification: Uncertain significance for 3-methylcrotonyl-CoA carboxylase 2 deficiency. Last evaluated: 2022-07-19. Review status: criteria provided, single submitter. Criteria: Invitae Variant Classification Sherloc (09022015). Collection method: clinical testing. Allele origin: germline.
Comment: This sequence change replaces arginine, which is basic and polar, with histidine, which is basic and polar, at codon 469 of the MCCC2 protein (p.Arg469His). This variant is present in population databases (rs750965429, gnomAD 0.01%). This variant has not been reported in the literature in individuals affected with MCCC2-related conditions. ClinVar contains an entry for this variant (Variation ID: 809765). Advanced modeling of protein sequence and biophysical properties (such as structural, functional, and spatial information, amino acid conservation, physicochemical variation, residue mobility, and thermodynamic stability) performed at Invitae indicates that this missense variant is expected to disrupt MCCC2 protein function. In summary, the available evidence is currently insufficient to determine the role of this variant in disease. Therefore, it has been classified as a Variant of Uncertain Significance.

CeGaT Center for Human Genetics Tuebingen
Classification: Uncertain significance. Last evaluated: 2021-11-01. Review status: criteria provided, single submitter. Criteria: CeGaT Center For Human Genetics Tuebingen Variant Classification Criteria Version 2. Collection method: clinical testing. Allele origin: germline. Affected: yes. Observed: 2 variant alleles.

Genome-Nilou Lab
Classification: Uncertain significance for 3-methylcrotonyl-CoA carboxylase 2 deficiency. Last evaluated: 2021-07-22. Review status: criteria provided, single submitter. Criteria: ACMG Guidelines, 2015. Collection method: clinical testing. Allele origin: germline. Affected: no.

NM_022132.5(MCCC2):c.1406G>A (p.Arg469His)

Gene: MCCC2 (methylcrotonyl-CoA carboxylase subunit 2; plus strand). Cytogenetic location: 5q13.2.
Variant type: single nucleotide variant.
Coding change: c.1406G>A on transcript NM_022132.5 (MANE Select); coding-DNA position 1406, G replaced by A.
Protein change: p.Arg469His; replaces arginine 469 with histidine.
Molecular consequence: missense variant.
Genome position (GRCh38, 1-based): chr5:71,650,101, G>A. VCF-style: chr5-71650101-G-A. GRCh37 (hg19) VCF-style: chr5-70945928-G-A.
Other names: c.1292G>A, p.Arg431His (NM_001363147.1); short protein forms R469H, R431H.
Identifiers: ClinVar variation 809765 (VCV000809765.47), dbSNP rs750965429, ClinGen allele CA3298140.